The following is an entry in ClinVar:

ClinVar aggregate classification (germline): Uncertain significance (1 of 4 stars; one submission).

Allele frequency attached by ClinVar (database versions not stated): gnomAD exomes below 0.00001; gnomAD 0.00001.
gnomAD v4.1: 6 of 1,612,884 alleles (0.00037%); highest among the groups gnomAD compares: African/African-American, 0.0013%; no homozygotes.

Submission:

GeneDx
Classification: Uncertain significance. Last evaluated: 2019-12-18. Review status: criteria provided, single submitter. Criteria: GeneDx Variant Classification Process June 2021. Collection method: clinical testing. Allele origin: germline. Affected: yes.
Comment: Not observed at a significant frequency in large population cohorts (Lek et al., 2016); Has not been previously published as pathogenic or benign to our knowledge

NM_001267550.2(TTN):c.65941C>T (p.Leu21981Phe)

Genes: TTN-AS1 (TTN antisense RNA 1; plus strand), TTN (titin; minus strand). Cytogenetic location: 2q31.2.
Variant type: single nucleotide variant.
Coding change: c.65941C>T on transcript NM_001267550.2 (MANE Select); coding-DNA position 65941, C replaced by T.
Protein change: p.Leu21981Phe; replaces leucine 21981 with phenylalanine.
Molecular consequence: missense variant.
Genome position (GRCh38, 1-based): chr2:178,582,515, G>A on the plus strand (C>T on the coding strand, the complement: TTN is on the minus strand). VCF-style: chr2-178582515-G-A. GRCh37 (hg19) VCF-style: chr2-179447242-G-A.
Other names: c.61018C>T, p.Leu20340Phe (NM_001256850.1); c.38746C>T, p.Leu12916Phe (NM_003319.4); c.58237C>T, p.Leu19413Phe (NM_133378.4); c.39121C>T, p.Leu13041Phe (NM_133432.3); c.39322C>T, p.Leu13108Phe (NM_133437.4); short protein forms L12916F, L13041F, L13108F, L19413F, L20340F, L21981F.
Identifiers: ClinVar variation 1311254 (VCV001311254.2), dbSNP rs1414709360, ClinGen allele CA349430238.